The following is an entry in ClinVar:

NM_004369.4(COL6A3):c.5023T>C (p.Ser1675Pro)

Gene: COL6A3 (collagen type VI alpha 3 chain; minus strand). Cytogenetic location: 2q37.3.
Variant type: single nucleotide variant.
Coding change: c.5023T>C on transcript NM_004369.4 (MANE Select); coding-DNA position 5023, T replaced by C.
Protein change: p.Ser1675Pro; replaces serine 1675 with proline.
Molecular consequence: missense variant.
Genome position (GRCh38, 1-based): chr2:237,367,164, A>G on the plus strand (T>C on the coding strand, the complement: COL6A3 is on the minus strand). VCF-style: chr2-237367164-A-G. GRCh37 (hg19) VCF-style: chr2-238275807-A-G.
Other names: c.3202T>C, p.Ser1068Pro (NM_057166.5); c.4405T>C, p.Ser1469Pro (NM_057167.4); short protein forms S1068P, S1675P, S1469P.
Identifiers: ClinVar variation 3646629 (VCV003646629.2).

ClinVar aggregate classification (germline): Uncertain significance (1 of 4 stars; one submission).

Conditions:
Bethlem myopathy 1A. Also called: Bethlem myopathy 1; MYOPATHY, BENIGN CONGENITAL, WITH CONTRACTURES; Bethlem Muscular Dystrophy. Identifiers: Orphanet 610, MedGen CN029274, MONDO:0024530, OMIM 158810.

gnomAD v4.1: 5 of 1,614,198 alleles (0.00031%); highest among the groups gnomAD compares: South Asian, 0.0022%; no homozygotes.

Submission:

Labcorp Genetics (formerly Invitae), Labcorp
Classification: Uncertain significance for Bethlem myopathy 1A. Last evaluated: 2024-08-28. Review status: criteria provided, single submitter. Criteria: Invitae Variant Classification Sherloc (09022015). Collection method: clinical testing. Allele origin: germline.
Comment: This sequence change replaces serine, which is neutral and polar, with proline, which is neutral and non-polar, at codon 1675 of the COL6A3 protein (p.Ser1675Pro). This variant is present in population databases (rs374247268, gnomAD 0.003%). This variant has not been reported in the literature in individuals affected with COL6A3-related conditions. Invitae Evidence Modeling of protein sequence and biophysical properties (such as structural, functional, and spatial information, amino acid conservation, physicochemical variation, residue mobility, and thermodynamic stability) indicates that this missense variant is expected to disrupt COL6A3 protein function with a positive predictive value of 80%. In summary, the available evidence is currently insufficient to determine the role of this variant in disease. Therefore, it has been classified as a Variant of Uncertain Significance.